The following is an entry in ClinVar:

NM_004722.4(AP4M1):c.1099C>T (p.Arg367Trp)

Gene: AP4M1 (adaptor related protein complex 4 subunit mu 1; plus strand). Cytogenetic location: 7q22.1.
Variant type: single nucleotide variant.
Coding change: c.1099C>T on transcript NM_004722.4 (MANE Select); coding-DNA position 1099, C replaced by T.
Protein change: p.Arg367Trp; replaces arginine 367 with tryptophan.
Molecular consequence: missense variant.
Genome position (GRCh38, 1-based): chr7:100,106,476, C>T. VCF-style: chr7-100106476-C-T. GRCh37 (hg19) VCF-style: chr7-99704099-C-T.
Other names: c.1120C>T, p.Arg374Trp (NM_001363671.2); short protein forms R367W, R374W.
Identifiers: ClinVar variation 1704896 (VCV001704896.4), dbSNP rs569348805, ClinGen allele CA4374970.

ClinVar aggregate classification (germline): Uncertain significance. Review status: criteria provided, multiple submitters, no conflicts (2 of 4 stars). 3 submissions from 3 submitters: Uncertain significance (3). Last evaluated 2025-03-27.

Conditions:
Hereditary spastic paraplegia 50 (SPG50). Also called: Spastic paraplegia 50, autosomal recessive. Identifiers: Orphanet 280763, MedGen C2752008, MONDO:0013048, OMIM 612936.
Inborn genetic diseases. Identifiers: MedGen C0950123, MeSH D030342.

Allele frequency attached by ClinVar (database versions not stated): gnomAD exomes 0.00001; TOPMed 0.00003; ExAC 0.00004; gnomAD 0.00005; 1000 Genomes Project 30x 0.00016; 1000 Genomes Project 0.00020.
gnomAD v4.1: 20 of 1,613,792 alleles (0.0012%); highest among the groups gnomAD compares: African/African-American, 0.004%; no homozygotes.

Submissions (3):

Ambry Genetics
Classification: Uncertain significance for Inborn genetic diseases. Last evaluated: 2025-03-27. Review status: criteria provided, single submitter. Criteria: Ambry Variant Classification Scheme 2023. Collection method: clinical testing. Allele origin: germline.

GeneDx
Classification: Uncertain significance. Last evaluated: 2022-03-09. Review status: criteria provided, single submitter. Criteria: GeneDx Variant Classification Process June 2021. Collection method: clinical testing. Allele origin: germline. Affected: yes.
Comment: Not observed at significant frequency in large population cohorts (gnomAD); In silico analysis supports that this missense variant has a deleterious effect on protein structure/function; Has not been previously published as pathogenic or benign to our knowledge; This variant is associated with the following publications: (PMID: 25496299)

Baylor Genetics
Classification: Uncertain significance for Hereditary spastic paraplegia 50. Last evaluated: 2021-01-11. Review status: criteria provided, single submitter. Criteria: ACMG Guidelines, 2015. Collection method: clinical testing. Allele origin: unknown.